The following is an entry in ClinVar:

NM_001322934.2(NFKB2):c.85G>C (p.Glu29Gln)

Gene: NFKB2 (nuclear factor kappa B subunit 2; plus strand). Cytogenetic location: 10q24.32.
Variant type: single nucleotide variant.
Coding change: c.85G>C on transcript NM_001322934.2 (MANE Select); coding-DNA position 85, G replaced by C.
Protein change: p.Glu29Gln; replaces glutamic acid 29 with glutamine.
Molecular consequence: missense variant.
Genome position (GRCh38, 1-based): chr10:102,396,316, G>C. VCF-style: chr10-102396316-G-C. GRCh37 (hg19) VCF-style: chr10-104156073-G-C.
Other names: c.85G>C, p.Glu29Gln (NM_001077494.3, NM_001261403.3, NM_001288724.1 and 2 more transcripts); short protein forms E29Q.
Identifiers: ClinVar variation 848557 (VCV000848557.9), dbSNP rs2061112300, ClinGen allele CA377895869.

ClinVar aggregate classification (germline): Uncertain significance (1 of 4 stars; one submission).

Conditions:
Immunodeficiency, common variable, 10. Also called: DEFICIT IN ANTERIOR PITUITARY FUNCTION AND VARIABLE IMMUNODEFICIENCY; IMMUNODEFICIENCY, COMMON VARIABLE, WITH CENTRAL ADRENAL INSUFFICIENCY. Identifiers: MedGen C3809991, MONDO:0014260, OMIM 615577.

Allele frequency attached by ClinVar (database versions not stated): TOPMed below 0.00001.

Submission:

Labcorp Genetics (formerly Invitae), Labcorp
Classification: Uncertain significance for Immunodeficiency, common variable, 10. Last evaluated: 2023-07-14. Review status: criteria provided, single submitter. Criteria: Invitae Variant Classification Sherloc (09022015). Collection method: clinical testing. Allele origin: germline.
Comment: ClinVar contains an entry for this variant (Variation ID: 848557). This sequence change replaces glutamic acid, which is acidic and polar, with glutamine, which is neutral and polar, at codon 29 of the NFKB2 protein (p.Glu29Gln). This variant is not present in population databases (gnomAD no frequency). This variant has not been reported in the literature in individuals affected with NFKB2-related conditions. In summary, the available evidence is currently insufficient to determine the role of this variant in disease. Therefore, it has been classified as a Variant of Uncertain Significance. An algorithm developed to predict the effect of missense changes on protein structure and function (PolyPhen-2) suggests that this variant is likely to be tolerated.